The following is an entry in ClinVar:

NM_001163435.3(TBCK):c.456-2A>G

Gene: TBCK (TBC1 domain containing kinase; minus strand). Cytogenetic location: 4q24.
Variant type: single nucleotide variant.
Coding change: c.456-2A>G on transcript NM_001163435.3 (MANE Select); the canonical splice acceptor site of the intron before coding-DNA position 456, A replaced by G.
Molecular consequence: splice acceptor variant.
Genome position (GRCh38, 1-based): chr4:106,252,009, T>C on the plus strand (A>G on the coding strand, the complement: TBCK is on the minus strand). VCF-style: chr4-106252009-T-C. GRCh37 (hg19) VCF-style: chr4-107173166-T-C.
Other names: c.456-2A>G (NM_001163436.4, NM_001163437.3); c.267-2A>G (NM_033115.5); c.-61-2A>G (NM_001290768.2).
Identifiers: ClinVar variation 977749 (VCV000977749.3), dbSNP rs780527809, ClinGen allele CA3035434.

ClinVar aggregate classification (germline): Pathogenic/Likely pathogenic. Review status: criteria provided, multiple submitters, no conflicts (2 of 4 stars). 2 submissions from 2 submitters: Pathogenic (1); Likely pathogenic (1). Last evaluated 2025-01-15.

Conditions:
Hypotonia, infantile, with psychomotor retardation and characteristic facies 3 (IHPRF3). Also called: TBCK-Related Neurodevelopmental Disorder. Identifiers: Orphanet 488632, MedGen C5567480, MONDO:0014823, OMIM 616900.

Allele frequency attached by ClinVar (database versions not stated): gnomAD exomes below 0.00001 and 0.00001; ExAC 0.00001.
gnomAD v4.1: 4 of 1,584,792 alleles (0.00025%); highest among the groups gnomAD compares: South Asian, 0.0023%; no homozygotes.

Submissions (2):

Broad Center for Mendelian Genomics, Broad Institute of MIT and Harvard
Classification: Pathogenic for Hypotonia, infantile, with psychomotor retardation and characteristic facies 3. Last evaluated: 2025-01-15. Review status: criteria provided, single submitter. Criteria: ACMG Guidelines, 2015. Collection method: curation. Allele origin: germline. Inheritance: Autosomal recessive inheritance.
Comment: The c.456-2A>G variant in TBCK has been reported, in the compound heterozygous state, in one individual with TBCK-related intellectual disability syndrome (PMID: 36317458), and has been identified in 0.002% (2/85524) of South Asian chromosomes by the Genome Aggregation Database (gnomAD; dbSNP ID: rs780527809). Although this variant has been seen in the general population in a heterozygous state, its frequency is low enough to be consistent with a recessive carrier frequency. This variant has also been reported in ClinVar (Variation ID: 977749) and has been interpreted as likely pathogenic by the Undiagnosed Diseases Network (NIH). This variant is located in the 5' splice region. Computational tools predict a splicing impact, though this information is not predictive enough to determine pathogenicity. Loss of function of the TBCK gene is an established disease mechanism in autosomal recessive TBCK-related intellectual disability syndrome. In summary, this variant meets criteria to be classified as pathogenic for autosomal recessive TBCK-related intellectual disability syndrome. ACMG/AMP Criteria applied: PVS1, PM3, PM2_supporting (Richards 2015).

Undiagnosed Diseases Network, NIH
Classification: Likely pathogenic for Hypotonia, infantile, with psychomotor retardation and characteristic facies 3. Last evaluated: 2020-02-12. Review status: criteria provided, single submitter. Criteria: ACMG Guidelines, 2015. Collection method: clinical testing. Allele origin: maternal. Inheritance: Autosomal recessive inheritance. Affected: yes. Observed: 1 variant allele, 1 compound heterozygote. Study: Undiagnosed Diseases Network (NIH), UDN.
Comment: This variant was found in compound heterozygous state with NM_001163436.2:c.1775-5106_2235+2392del pathogenic variant.